The following is an entry in ClinVar:

NM_020774.4(MIB1):c.385A>G (p.Thr129Ala)

Gene: MIB1 (MIB E3 ubiquitin protein ligase 1; plus strand). Cytogenetic location: 18q11.2.
Variant type: single nucleotide variant.
Coding change: c.385A>G on transcript NM_020774.4 (MANE Select); coding-DNA position 385, A replaced by G.
Protein change: p.Thr129Ala; replaces threonine 129 with alanine.
Molecular consequence: missense variant.
Genome position (GRCh38, 1-based): chr18:21,765,927, A>G. VCF-style: chr18-21765927-A-G. GRCh37 (hg19) VCF-style: chr18-19345888-A-G.
Other names: short protein forms T129A.
Identifiers: ClinVar variation 3294710 (VCV003294710.1).

ClinVar aggregate classification (germline): Uncertain significance (1 of 4 stars; one submission).

Conditions:
Inborn genetic diseases. Identifiers: MedGen C0950123, MeSH D030342.

gnomAD v4.1: 3 of 1,614,094 alleles (0.00019%); highest among the groups gnomAD compares: Non-Finnish European, 0.00025%; no homozygotes.

Submission:

Ambry Genetics
Classification: Uncertain significance for Inborn genetic diseases. Last evaluated: 2024-06-11. Review status: criteria provided, single submitter. Criteria: Ambry Variant Classification Scheme 2023. Collection method: clinical testing. Allele origin: germline.
Comment: The p.T129A variant (also known as c.385A>G), located in coding exon 2 of the MIB1 gene, results from an A to G substitution at nucleotide position 385. The threonine at codon 129 is replaced by alanine, an amino acid with similar properties. This amino acid position is conserved. In addition, this alteration is predicted to be deleterious by in silico analysis. Based on the available evidence, the clinical significance of this variant remains unclear.